The following is an entry in ClinVar:

NM_022124.6(CDH23):c.5908G>A (p.Glu1970Lys)

Gene: CDH23 (cadherin related 23; plus strand). Cytogenetic location: 10q22.1.
Variant type: single nucleotide variant.
Coding change: c.5908G>A on transcript NM_022124.6 (MANE Select); coding-DNA position 5908, G replaced by A.
Protein change: p.Glu1970Lys; replaces glutamic acid 1970 with lysine.
Molecular consequence: missense variant.
Genome position (GRCh38, 1-based): chr10:71,789,027, G>A. VCF-style: chr10-71789027-G-A. GRCh37 (hg19) VCF-style: chr10-73548784-G-A.
Other names: short protein forms E1970K.
Identifiers: ClinVar variation 1180747 (VCV001180747.2), dbSNP rs2132945762, ClinGen allele CA377149862.
Genomic context (GRCh38, chr10:71,789,027, plus strand): 5'-TCTGATGAGAATGACAACCACCCCCTCTTCACTAAAAGCACCTACCAGGCAGAGGTGATG[G>A]AAAACTCTCCCGCTGGTAGGTGCTGGGCCCACCCGGGAGCTCCTGCTGTTGCCAGGCACC-3'
Protein context (NP_071407.4, residues 1960-1980): TKSTYQAEVM[Glu1970Lys]NSPAGTPLTV

ClinVar aggregate classification (germline): Likely pathogenic. Review status: criteria provided, multiple submitters, no conflicts (2 of 4 stars). 2 submissions from 2 submitters: Likely pathogenic (2). Last evaluated 2025-12-19.

Conditions:
Usher syndrome. Also called: Usher Syndromes; Usher's syndrome. Identifiers: Orphanet 886, MedGen CN469326, MeSH D052245, MONDO:0019501. Disease mechanism: loss of function.
Ear malformation. Also called: CUP EAR; Abnormality of the ear. Identifiers: MedGen C0266589, MONDO:0007500, OMIM 128600, HP:0000598.

Allele frequency attached by ClinVar (database versions not stated): gnomAD exomes below 0.00001.
gnomAD v4.1: 1 of 1,569,924 alleles (0.000064%); highest among the groups gnomAD compares: Non-Finnish European, 0.000088%; no homozygotes.

Submissions (2):

Women's Health and Genetics/Laboratory Corporation of America, LabCorp
Classification: Likely pathogenic for Usher syndrome. Last evaluated: 2025-12-19. Review status: criteria provided, single submitter. Criteria: LabCorp Variant Classification Summary - May 2015. Collection method: clinical testing. Allele origin: germline.
Comment: Variant summary: CDH23 c.5908G>A (p.Glu1970Lys) results in a conservative amino acid change in the encoded protein sequence. Algorithms developed to predict the effect of missense changes on protein structure and function are either unavailable or do not agree on the potential impact of this missense change. The variant was absent in 248846 control chromosomes. c.5908G>A has been observed in the homozygous state in multiple individuals affected with nonsyndromic deafness and/or clinical features of Usher Syndrome (Bazazzadegan_2019, Bitarafan_2020, Sloan-Heggen_2016, Abolhassani_2024). These data indicate that the variant is very likely to be associated with disease. To our knowledge, no experimental evidence demonstrating an impact on protein function has been reported. The following publications have been ascertained in the context of this evaluation (PMID: 31850270, 32864763, 26969326, 38374194). ClinVar contains an entry for this variant (Variation ID: 1180747). Based on the evidence outlined above, the variant was classified as likely pathogenic.

Kariminejad - Najmabadi Pathology & Genetics Center
Classification: Likely pathogenic for Ear malformation. Last evaluated: 2021-07-10. Review status: criteria provided, single submitter. Criteria: ACMG Guidelines, 2015. Collection method: clinical testing. Allele origin: germline. Affected: yes.

Literature cited by the submitters: PubMed 26969326 (cited by Women's Health and Genetics/Laboratory Corporation of America, LabCorp); PubMed 31850270 (cited by Women's Health and Genetics/Laboratory Corporation of America, LabCorp); PubMed 38374194 (cited by Women's Health and Genetics/Laboratory Corporation of America, LabCorp); PubMed 32864763 (cited by Women's Health and Genetics/Laboratory Corporation of America, LabCorp).